The following is an entry in ClinVar:

ClinVar aggregate classification (germline): Likely benign. Review status: criteria provided, single submitter (1 of 4 stars). 2 submissions from 2 submitters: Likely benign (1). 1 of the submissions does not count toward it. Last evaluated 2016-12-16.

Conditions:
RAI1-related disorder. Also called: RAI1-related condition.
Inborn genetic diseases. Identifiers: MedGen C0950123, MeSH D030342.

Allele frequency attached by ClinVar (database versions not stated): TOPMed 0.00001; gnomAD 0.00003.
gnomAD v4.1: 7 of 1,613,192 alleles (0.00043%); highest among the groups gnomAD compares: Non-Finnish European, 0.00059%; no homozygotes.

Submissions (2):

Ambry Genetics
Classification: Likely benign for Inborn genetic diseases. Last evaluated: 2016-12-16. Review status: criteria provided, single submitter. Criteria: Ambry Variant Classification Scheme 2023. Collection method: clinical testing. Allele origin: germline.

PreventionGenetics, part of Exact Sciences
Classification: Likely benign for RAI1-related condition. Last evaluated: 2023-01-26. Review status: no assertion criteria provided. Collection method: clinical testing. Allele origin: germline. Not counted in ClinVar's aggregate classification.
Comment: This variant is classified as likely benign based on ACMG/AMP sequence variant interpretation guidelines (Richards et al. 2015 PMID: 25741868, with internal and published modifications).

NM_030665.4(RAI1):c.2736C>A (p.Ala912=)

Gene: RAI1 (retinoic acid induced 1; plus strand). Cytogenetic location: 17p11.2.
Variant type: single nucleotide variant.
Coding change: c.2736C>A on transcript NM_030665.4 (MANE Select); coding-DNA position 2736, C replaced by A.
Protein change: p.Ala912=; no amino-acid change (alanine 912 retained).
Molecular consequence: synonymous variant.
Genome position (GRCh38, 1-based): chr17:17,795,684, C>A. VCF-style: chr17-17795684-C-A. GRCh37 (hg19) VCF-style: chr17-17698998-C-A.
Identifiers: ClinVar variation 589721 (VCV000589721.6), dbSNP rs145551614, ClinGen allele CA8418599.
Genomic context (GRCh38, chr17:17,795,684, plus strand): 5'-ACCCAAGGCCCCACTCATCTGCACCAAGGAGGAGGTGGAGGAGGTGCTGGACTCCAAGGC[C>A]GGCTGGGGCTCTCCGTGCCACCTCTCAGGGGAGTCCGTCATCCTGCTGGGCCCTACAGTG-3'
Protein context (NP_109590.3, residues 902-922): EEVEEVLDSK[Ala912=]GWGSPCHLSG